The following is an entry in ClinVar:

NM_000532.5(PCCB):c.744G>C (p.Lys248Asn)

Gene: PCCB (propionyl-CoA carboxylase subunit beta; plus strand). Cytogenetic location: 3q22.3.
Variant type: single nucleotide variant.
Coding change: c.744G>C on transcript NM_000532.5 (MANE Select); coding-DNA position 744, G replaced by C.
Protein change: p.Lys248Asn; replaces lysine 248 with asparagine.
Molecular consequence: missense variant.
Genome position (GRCh38, 1-based): chr3:136,293,845, G>C. VCF-style: chr3-136293845-G-C. GRCh37 (hg19) VCF-style: chr3-136012687-G-C.
Other names: c.804G>C, p.Lys268Asn (NM_001178014.2); short protein forms K248N, K268N.
Identifiers: ClinVar variation 1429232 (VCV001429232.7), dbSNP rs757845027, ClinGen allele CA2631845.

ClinVar aggregate classification (germline): Uncertain significance (1 of 4 stars; one submission).

Conditions:
Propionic acidemia (PROP). Also called: GLYCINEMIA, KETOTIC; HYPERGLYCINEMIA WITH KETOACIDOSIS AND LEUKOPENIA; KETOTIC HYPERGLYCINEMIA. Identifiers: Orphanet 35, MedGen C0268579, MONDO:0011628, OMIM 606054, HP:0003571.

Allele frequency attached by ClinVar (database versions not stated): gnomAD 0.00001; gnomAD exomes 0.00003 and 0.00006; ExAC 0.00006.
gnomAD v4.1: 38 of 1,599,436 alleles (0.0024%); highest among the groups gnomAD compares: South Asian, 0.042%; no homozygotes.

Submission:

Labcorp Genetics (formerly Invitae), Labcorp
Classification: Uncertain significance for Propionic acidemia. Last evaluated: 2025-01-15. Review status: criteria provided, single submitter. Criteria: Invitae Variant Classification Sherloc (09022015). Collection method: clinical testing. Allele origin: germline.
Comment: This sequence change replaces lysine, which is basic and polar, with asparagine, which is neutral and polar, at codon 248 of the PCCB protein (p.Lys248Asn). This variant is present in population databases (rs757845027, gnomAD 0.05%). This variant has not been reported in the literature in individuals affected with PCCB-related conditions. ClinVar contains an entry for this variant (Variation ID: 1429232). Invitae Evidence Modeling of protein sequence and biophysical properties (such as structural, functional, and spatial information, amino acid conservation, physicochemical variation, residue mobility, and thermodynamic stability) indicates that this missense variant is not expected to disrupt PCCB protein function with a negative predictive value of 80%. In summary, the available evidence is currently insufficient to determine the role of this variant in disease. Therefore, it has been classified as a Variant of Uncertain Significance.